The following is an entry in ClinVar:

NM_001080517.3(SETD5):c.1073C>T (p.Ala358Val)

Gene: SETD5 (SET domain containing 5; plus strand). Cytogenetic location: 3p25.3.
Variant type: single nucleotide variant.
Coding change: c.1073C>T on transcript NM_001080517.3 (MANE Select); coding-DNA position 1073, C replaced by T.
Protein change: p.Ala358Val; replaces alanine 358 with valine.
Molecular consequence: missense variant.
Genome position (GRCh38, 1-based): chr3:9,442,241, C>T. VCF-style: chr3-9442241-C-T. GRCh37 (hg19) VCF-style: chr3-9483925-C-T.
Other names: c.779C>T, p.Ala260Val (NM_001292043.2, NM_001349451.2); c.1169C>T, p.Ala390Val (NM_001437633.1); c.1130C>T, p.Ala377Val (NM_001437635.1); c.1073C>T, p.Ala358Val (NM_001437643.1); c.1112C>T, p.Ala371Val (NM_001437701.1); short protein forms A260V, A358V, A371V, A377V, A390V.
Identifiers: ClinVar variation 4282431 (VCV004282431.1).

ClinVar aggregate classification (germline): Pathogenic (1 of 4 stars; one submission).

Submission:

GeneDx
Classification: Pathogenic. Last evaluated: 2025-04-15. Review status: criteria provided, single submitter. Criteria: GeneDx Variant Classification Process June 2021. Collection method: clinical testing. Allele origin: germline. Affected: yes.
Comment: Not observed at significant frequency in large population cohorts (gnomAD); In silico analysis supports that this missense variant has a deleterious effect on protein structure/function; Has not been previously published as pathogenic or benign to our knowledge